The following is an entry in ClinVar:

NM_004944.4(DNASE1L3):c.432T>C (p.Thr144=)

Gene: DNASE1L3 (deoxyribonuclease 1L3; minus strand). Cytogenetic location: 3p14.3.
Variant type: single nucleotide variant.
Coding change: c.432T>C on transcript NM_004944.4 (MANE Select); coding-DNA position 432, T replaced by C.
Protein change: p.Thr144=; no amino-acid change (threonine 144 retained).
Molecular consequence: synonymous variant.
Genome position (GRCh38, 1-based): chr3:58,204,770, A>G on the plus strand (T>C on the coding strand, the complement: DNASE1L3 is on the minus strand). VCF-style: chr3-58204770-A-G. GRCh37 (hg19) VCF-style: chr3-58190497-A-G.
Other names: c.342T>C, p.Thr114= (NM_001256560.2).
Identifiers: ClinVar variation 1476371 (VCV001476371.3), dbSNP rs371776069, ClinGen allele CA2470018.

ClinVar aggregate classification (germline): Uncertain significance (1 of 4 stars; one submission).

Allele frequency attached by ClinVar (database versions not stated): ExAC 0.00001; gnomAD exomes 0.00002; gnomAD 0.00003; TOPMed 0.00004; ESP Exome Variant Server 0.00008.
gnomAD v4.1: 14 of 1,613,828 alleles (0.00087%); highest among the groups gnomAD compares: African/African-American, 0.004%; no homozygotes.

Submission:

Labcorp Genetics (formerly Invitae), Labcorp
Classification: Uncertain significance. Last evaluated: 2021-08-15. Review status: criteria provided, single submitter. Criteria: Invitae Variant Classification Sherloc (09022015). Collection method: clinical testing. Allele origin: germline.
Comment: This sequence change affects codon 144 of the DNASE1L3 mRNA. It is a 'silent' change, meaning that it does not change the encoded amino acid sequence of the DNASE1L3 protein. It affects a nucleotide within the consensus splice site of the intron. This variant is present in population databases (rs371776069, ExAC 0.002%). This variant has not been reported in the literature in individuals affected with DNASE1L3-related conditions. Algorithms developed to predict the effect of sequence changes on RNA splicing suggest that this variant is not likely to affect RNA splicing. In summary, the available evidence is currently insufficient to determine the role of this variant in disease. Therefore, it has been classified as a Variant of Uncertain Significance.